The following is an entry in ClinVar:

ClinVar aggregate classification (germline): Conflicting classifications of pathogenicity. Review status: criteria provided, conflicting classifications (1 of 4 stars). 2 submissions from 2 submitters: Likely pathogenic (1); Uncertain significance (1). Last evaluated 2024-01-31.

Conditions:
Argininosuccinate lyase deficiency. Also called: ARGININOSUCCINIC ACID LYASE DEFICIENCY; ASL DEFICIENCY; Argininosuccinic aciduria. Identifiers: Orphanet 23, MedGen C0268547, MONDO:0008815, OMIM 207900, HP:0025630.

Allele frequency attached by ClinVar (database versions not stated): ExAC 0.00001; gnomAD exomes 0.00001; TOPMed 0.00001; gnomAD 0.00002.
gnomAD v4.1: 9 of 1,613,788 alleles (0.00056%); highest among the groups gnomAD compares: Admixed American, 0.005%; no homozygotes.

Submissions (2):

Fulgent Genetics
Classification: Likely pathogenic for Argininosuccinate lyase deficiency. Last evaluated: 2024-01-31. Review status: criteria provided, single submitter. Criteria: ACMG Guidelines, 2015. Collection method: clinical testing. Allele origin: germline.

Women's Health and Genetics/Laboratory Corporation of America, LabCorp
Classification: Uncertain significance. Last evaluated: 2022-02-21. Review status: criteria provided, single submitter. Criteria: LabCorp Variant Classification Summary - May 2015. Collection method: clinical testing. Allele origin: germline.
Comment: Variant summary: ASL c.1267G>A (p.Asp423Asn) results in a conservative amino acid change located in the Argininosuccinate lyase, C-terminal domain (IPR029419) of the encoded protein sequence. Three of five in-silico tools predict a damaging effect of the variant on protein function. The variant allele was found at a frequency of 8e-06 in 250886 control chromosomes. The available data on variant occurrences in the general population are insufficient to allow any conclusion about variant significance. c.1267G>A has been reported in the literature as a compound heterozygote with another pathogenic/likely pathogenic variant in at-least one asymptomatic newborn identified through newborn screening (example, Zielonka_2020). The resultant argininosuccinate lyase (ASL) enzyme activity in this newborn was around 50% implying that this variant presumably does not impact the enzyme activity. These report(s) do not provide unequivocal conclusions about association of the variant with Argininosuccinic Aciduria. To our knowledge, no variant specific experimental evidence demonstrating an impact on protein function has been reported. No clinical diagnostic laboratories have submitted clinical-significance assessments for this variant to ClinVar after 2014. Based on the evidence outlined above, the variant was classified as uncertain significance.

Literature cited by the submitters: PubMed 31943503 (cited by Women's Health and Genetics/Laboratory Corporation of America, LabCorp).

NM_000048.4(ASL):c.1267G>A (p.Asp423Asn)

Gene: ASL (argininosuccinate lyase; plus strand). Cytogenetic location: 7q11.21.
Variant type: single nucleotide variant.
Coding change: c.1267G>A on transcript NM_000048.4 (MANE Select); coding-DNA position 1267, G replaced by A.
Protein change: p.Asp423Asn; replaces aspartic acid 423 with asparagine.
Molecular consequence: missense variant.
Genome position (GRCh38, 1-based): chr7:66,092,784, G>A. VCF-style: chr7-66092784-G-A. GRCh37 (hg19) VCF-style: chr7-65557771-G-A.
Other names: c.1267G>A, p.Asp423Asn (NM_001024943.2); c.1207G>A, p.Asp403Asn (NM_001024944.2); c.1189G>A, p.Asp397Asn (NM_001024946.2); short protein forms D397N, D403N, D423N.
Identifiers: ClinVar variation 1343482 (VCV001343482.2), dbSNP rs778321544, ClinGen allele CA4277371.